The following is an entry in ClinVar:

NM_004260.4(RECQL4):c.3423C>A (p.Cys1141Ter)

Gene: RECQL4 (RecQ like helicase 4; minus strand). Cytogenetic location: 8q24.3.
Variant type: single nucleotide variant.
Coding change: c.3423C>A on transcript NM_004260.4 (MANE Select); coding-DNA position 3423, C replaced by A.
Protein change: p.Cys1141Ter; replaces cysteine 1141 with a stop codon.
Molecular consequence: nonsense. On other transcripts: non-coding transcript variant (3).
Genome position (GRCh38, 1-based): chr8:144,511,760, G>T on the plus strand (C>A on the coding strand, the complement: RECQL4 is on the minus strand). VCF-style: chr8-144511760-G-T. GRCh37 (hg19) VCF-style: chr8-145737143-G-T.
Other names: c.3129C>A, p.Cys1043Ter (NM_001413017.1); c.3225C>A, p.Cys1075Ter (NM_001413018.1); c.3498C>A, p.Cys1166Ter (NM_001413019.1); c.3327C>A, p.Cys1109Ter (NM_001413020.1); c.2352C>A, p.Cys784Ter (NM_001413021.1, NM_001413022.1, NM_001413024.1 and 4 more transcripts); c.2427C>A, p.Cys809Ter (NM_001413023.1); c.3294C>A, p.Cys1098Ter (NM_001413025.1); c.2286C>A, p.Cys762Ter (NM_001413027.1, NM_001413030.1, NM_001413032.1); and 9 more; short protein forms C1043*, C1098*, C1109*, C1141*, C1166*, C740*, C774*, C1075*.
Identifiers: ClinVar variation 4712044 (VCV004712044.1).

ClinVar aggregate classification (germline): Pathogenic (1 of 4 stars; one submission).

Conditions:
Baller-Gerold syndrome (BGS). Also called: CRANIOSYNOSTOSIS WITH RADIAL DEFECTS. Identifiers: Orphanet 1225, MedGen C0265308, MONDO:0009039, OMIM 218600.

Submission:

Labcorp Genetics (formerly Invitae), Labcorp
Classification: Pathogenic for Baller-Gerold syndrome. Last evaluated: 2025-02-04. Review status: criteria provided, single submitter. Criteria: Invitae Variant Classification Sherloc (09022015). Collection method: clinical testing. Allele origin: germline.
Comment: This sequence change creates a premature translational stop signal (p.Cys1141*) in the RECQL4 gene. It is expected to result in an absent or disrupted protein product. Loss-of-function variants in RECQL4 are known to be pathogenic (PMID: 12734318, 12952869). This variant is not present in population databases (gnomAD no frequency). This variant has not been reported in the literature in individuals affected with RECQL4-related conditions. For these reasons, this variant has been classified as Pathogenic.

Literature cited by the submitters: PubMed 12734318; PubMed 12952869.